The following is an entry in ClinVar:

ClinVar aggregate classification (germline): Uncertain significance (1 of 4 stars; one submission).

Conditions:
Hereditary spastic paraplegia 31. Also called: SPASTIC PARAPLEGIA 31, AUTOSOMAL DOMINANT. Identifiers: Orphanet 101011, MedGen C1853247, MONDO:0012453, OMIM 610250.

gnomAD v4.1: 1 of 1,605,736 alleles (0.000062%); highest among the groups gnomAD compares: Non-Finnish European, 0.000085%; no homozygotes.

Submission:

Labcorp Genetics (formerly Invitae), Labcorp
Classification: Uncertain significance for Hereditary spastic paraplegia 31. Last evaluated: 2025-10-01. Review status: criteria provided, single submitter. Criteria: Invitae Variant Classification Sherloc (09022015). Collection method: clinical testing. Allele origin: germline.
Comment: This sequence change replaces glycine, which is neutral and non-polar, with aspartic acid, which is acidic and polar, at codon 15 of the REEP1 protein (p.Gly15Asp). This variant is not present in population databases (gnomAD no frequency). This variant has not been reported in the literature in individuals affected with REEP1-related conditions. An algorithm developed to predict the effect of missense changes on protein structure and function (PolyPhen-2) suggests that this variant is likely to be disruptive. In summary, the available evidence is currently insufficient to determine the role of this variant in disease. Therefore, it has been classified as a Variant of Uncertain Significance.

NM_001371279.1(REEP1):c.44G>A (p.Gly15Asp)

Gene: REEP1 (receptor accessory protein 1; minus strand). Cytogenetic location: 2p11.2.
Variant type: single nucleotide variant.
Coding change: c.44G>A on transcript NM_001371279.1 (MANE Select); coding-DNA position 44, G replaced by A.
Protein change: p.Gly15Asp; replaces glycine 15 with aspartic acid.
Molecular consequence: missense variant. On other transcripts: intron variant (1).
Genome position (GRCh38, 1-based): chr2:86,282,231, C>T on the plus strand (G>A on the coding strand, the complement: REEP1 is on the minus strand). VCF-style: chr2-86282231-C-T. GRCh37 (hg19) VCF-style: chr2-86509354-C-T.
Other names: c.65G>A, p.Gly22Asp (NM_001164730.2); c.44G>A, p.Gly15Asp (NM_001164732.2, NM_001371280.1, NM_001410855.1 and 2 more transcripts); c.25-18190G>A (NM_001164731.2); short protein forms G22D, G15D.
Identifiers: ClinVar variation 4728253 (VCV004728253.1).